The following is an entry in ClinVar:

ClinVar aggregate classification (germline): Benign/Likely benign. Review status: criteria provided, multiple submitters, no conflicts (2 of 4 stars). 3 submissions from 3 submitters: Benign (1); Likely benign (2). Last evaluated 2025-08-04.

Conditions:
Breast-ovarian cancer, familial, susceptibility to, 3. Also called: RAD51C-Related Breast/Ovarian Cancer. Identifiers: Orphanet 145, MedGen C3150659, MONDO:0013253, OMIM 613399.
Hereditary cancer-predisposing syndrome. Also called: Tumor predisposition; Neoplastic Syndromes, Hereditary; Hereditary Cancer Syndrome; Hereditary neoplastic syndrome. Identifiers: Orphanet 140162, MedGen C0027672, MeSH D009386, MONDO:0015356.
Fanconi anemia complementation group O. Also called: RAD51C-Related Fanconi Anemia. Identifiers: Orphanet 84, MedGen C3150653, MONDO:0013248, OMIM 613390.

Submissions (3):

Color Diagnostics, LLC DBA Color Health
Classification: Likely benign for Hereditary cancer-predisposing syndrome. Last evaluated: 2025-08-04. Review status: criteria provided, single submitter. Criteria: ACMG Guidelines, 2015. Collection method: clinical testing. Allele origin: germline.

Myriad Genetics, Inc.
Classification: Benign for Breast-ovarian cancer, familial, susceptibility to, 3. Last evaluated: 2025-02-14. Review status: criteria provided, single submitter. Criteria: Myriad Autosomal Dominant, Autosomal Recessive and X-Linked Classification Criteria (2023). Collection method: clinical testing. Allele origin: unknown.
Comment: This variant is considered benign. This variant is a silent/synonymous amino acid change and it is not expected to impact splicing.

Labcorp Genetics (formerly Invitae), Labcorp
Classification: Likely benign for Fanconi anemia complementation group O. Last evaluated: 2024-12-31. Review status: criteria provided, single submitter. Criteria: Invitae Variant Classification Sherloc (09022015). Collection method: clinical testing. Allele origin: germline.

NM_058216.3(RAD51C):c.153G>A (p.Gly51=)

Gene: RAD51C (RAD51 paralog C; plus strand). Cytogenetic location: 17q22.
Variant type: single nucleotide variant.
Coding change: c.153G>A on transcript NM_058216.3 (MANE Select); coding-DNA position 153, G replaced by A.
Protein change: p.Gly51=; no amino-acid change (glycine 51 retained).
Molecular consequence: synonymous variant. On other transcripts: non-coding transcript variant (2).
Genome position (GRCh38, 1-based): chr17:58,694,938, G>A. VCF-style: chr17-58694938-G-A. GRCh37 (hg19) VCF-style: chr17-56772299-G-A.
Other names: c.153G>A, p.Gly51= (NM_002876.4).
Identifiers: ClinVar variation 1094800 (VCV001094800.10), dbSNP rs2143717416, ClinGen allele CA501074465.